The following is an entry in ClinVar:

ClinVar aggregate classification (germline): Benign/Likely benign. Review status: criteria provided, multiple submitters, no conflicts (2 of 4 stars). 4 submissions from 4 submitters: Benign (3); Likely benign (1). Last evaluated 2026-02-02.

Allele frequency attached by ClinVar (database versions not stated): ESP Exome Variant Server 0.01199; gnomAD 0.02554 and 0.02706; 1000 Genomes Project 0.06210; 1000 Genomes Project 30x 0.06262.
gnomAD v4.1: 20,657 of 1,613,676 alleles (1.3%); highest among the groups gnomAD compares: East Asian, 16%; 1,241 homozygotes.

Submissions (4):

Labcorp Genetics (formerly Invitae), Labcorp
Classification: Benign. Last evaluated: 2026-02-02. Review status: criteria provided, single submitter. Criteria: Invitae Variant Classification Sherloc (09022015). Collection method: clinical testing. Allele origin: germline.

Blueprint Genetics
Classification: Likely benign. Last evaluated: 2024-11-27. Review status: criteria provided, single submitter. Criteria: ACMG Guidelines, 2015. Collection method: clinical testing. Allele origin: germline.

GeneDx
Classification: Benign. Last evaluated: 2019-08-05. Review status: criteria provided, single submitter. Criteria: GeneDx Variant Classification Process June 2021. Collection method: clinical testing. Allele origin: germline. Affected: yes.
Comment: This variant is associated with the following publications: (PMID: 23263489)

Breakthrough Genomics
Classification: Benign. Review status: criteria provided, single submitter. Criteria: ACMG Guidelines, 2015. Collection method: not provided. Allele origin: germline. Inheritance: Unknown mechanism. Affected: yes.

NM_015158.5(KANK1):c.2000G>A (p.Arg667His)

Gene: KANK1 (KN motif and ankyrin repeat domains 1; plus strand). Cytogenetic location: 9p24.3.
Variant type: single nucleotide variant.
Coding change: c.2000G>A on transcript NM_015158.5 (MANE Select); coding-DNA position 2000, G replaced by A.
Protein change: p.Arg667His; replaces arginine 667 with histidine.
Molecular consequence: missense variant. On other transcripts: non-coding transcript variant (1).
Genome position (GRCh38, 1-based): chr9:712,766, G>A. VCF-style: chr9-712766-G-A. GRCh37 (hg19) VCF-style: chr9-712766-G-A.
Other names: c.2000G>A, p.Arg667His (NM_001256876.3, NM_001256877.3, NM_001354331.2 and 2 more transcripts); c.1526G>A, p.Arg509His (NM_001354333.2, NM_001354335.2, NM_001354336.2 and 9 more transcripts); short protein forms R509H, R667H.
Identifiers: ClinVar variation 1166350 (VCV001166350.13), dbSNP rs3824420, ClinGen allele CA4960393.
Genomic context (GRCh38, chr9:712,766, plus strand): 5'-CCCGGGGCGTGAACACTGAGGCTGTTAGCCAGGTGGAAGCTGCCGTCATGGCAGTGCCTC[G>A]TACTGCAGACCAGGACACTAGCACAGATTTGGAACAGGTGCACCAGTTCACCAACACCGA-3'
Protein context (NP_055973.2, residues 657-677): QVEAAVMAVP[Arg667His]TADQDTSTDL